The following is an entry in ClinVar:

NM_000091.5(COL4A3):c.40_63del (p.Leu14_Leu21del)

Genes: COL4A4 (collagen type IV alpha 4 chain; minus strand), COL4A3 (collagen type IV alpha 3 chain; plus strand), LOC129935730 (ATAC-STARR-seq lymphoblastoid silent region 12397; plus strand). Cytogenetic location: 2q36.3.
Variant type: Deletion.
Coding change: c.40_63del on transcript NM_000091.5 (MANE Select); coding-DNA positions 40 to 63, 24 bases deleted (CTGCCGCTCCTGCTGGTGCTCCTG).
Protein change: p.Leu14_Leu21del.
Molecular consequence: inframe deletion.
Genome position (GRCh38, 1-based): chr2:227,164,766-227,164,789, CTGCCGCTCCTGCTGGTGCTCCTG deleted; deleting any 24 consecutive bases within chr2:227,164,756-227,164,789 gives the same sequence; the c. name uses the placement nearest the transcript's 3' end. VCF-style (leftmost placement, unchanged base first): chr2-227164755-AGGTGCTCCTGCTGCCGCTCCTGCT-A. GRCh37 (hg19) VCF-style: chr2-228029471-AGGTGCTCCTGCTGCCGCTCCTGCT-A.
Other names: c.40_63delCTGCCGCTCCTGCTGGTGCTCCTG (NM_000091.4); c.30_53del (NM_000091.4).
Identifiers: ClinVar variation 192299 (VCV000192299.38), dbSNP rs876657397, ClinGen allele CA2145887.
Genomic context (GRCh38, chr2:227,164,755, plus strand): 5'-GGACTCGCCCAGGCTCTGAGCGCGCGCCCACCATGAGCGCCCGGACCGCCCCCAGGCCGC[AGGTGCTCCTGCTGCCGCTCCTGCT>A]GGTGCTCCTGGCGGCGGCGCCCGCAGCCAGCAAGGTGAGTGGGGGCTGCGCGACCCCCAC-3'

ClinVar aggregate classification (germline): Pathogenic. Review status: criteria provided, multiple submitters, no conflicts (2 of 4 stars). 15 submissions from 15 submitters: Pathogenic (14). 1 of the submissions does not count toward it. Last evaluated 2026-08-03.

Conditions:
Inborn genetic diseases. Identifiers: MedGen C0950123, MeSH D030342.
Autosomal dominant Alport syndrome (ATS3A). Also called: Alport syndrome dominant type; Renal failure and sensorineural hearing loss; ALPORT SYNDROME 3A, AUTOSOMAL DOMINANT. Identifiers: Orphanet 63, Orphanet 88918, MedGen C5882663, MONDO:0007086, OMIM 104200.
Hematuria, benign familial, 2 (BFH2). Identifiers: MedGen C5830421, MONDO:0958186, OMIM 620320.
Alport syndrome 3b, autosomal recessive. Identifiers: MedGen C5882699, MONDO:0957811, OMIM 620536.
COL4A3-related disorder. Also called: COL4A3-Related Disorders; COL4A3-related condition.
Alport syndrome. Also called: Hemorrhagic familial nephritis; Hemorrhagic hereditary nephritis; Congenital hereditary hematuria. Identifiers: Orphanet 63, MedGen C1567741, MONDO:0018965.
Autosomal recessive Alport syndrome (ATS2). Also called: COL4A4 Alport Syndrome and Thin Basement Membrane Nephropathy; Alport syndrome type 2; COL4A3-Related Nephropathy; ALPORT SYNDROME 2, AUTOSOMAL RECESSIVE. Identifiers: Orphanet 63, Orphanet 88919, MedGen C4746745, MONDO:0008762, OMIM 203780.
Hematuria. Identifiers: MedGen C0018965, HP:0000790.

Submissions 1 to 9 of 15:

Genetics Laboratory, Great Ormond Street Hospital NHS Foundation Trust, North Thames Genomic Laboratory Hub
Classification: Pathogenic for Haematuria. Last evaluated: 2026-08-03. Review status: criteria provided, single submitter. Criteria: ACGS Best Practice Guidelines for Variant Classification in Rare Disease 2024 v1.2. Collection method: clinical testing. Allele origin: germline. Affected: yes.
Comment: PM2_moderate, PM4_moderate, PS3_supporting, PP1_moderate, PM3_moderate, PP4_supporting

PreventionGenetics, part of Exact Sciences
Classification: Pathogenic for COL4A3-related condition. Last evaluated: 2026-01-13. Review status: criteria provided, single submitter. Criteria: ACMG Guidelines, 2015. Collection method: clinical testing. Allele origin: germline.
Comment: The COL4A3 c.40_63del24 variant is predicted to result in an in-frame deletion (p.Leu14_Leu21del). This variant has been widely reported in the homozygous or heterozygous state to be pathogenic for the Alport syndrome (AS) spectrum disorders (see for example, Webb et al. 2014. PubMed ID: 23927549; Longo et al. 2002. PubMed ID: 12028435; Chiereghin et al. 2017. PubMed ID: 28570636). In particular, this deletion was reported to be a pathogenic founder variant in the Ashkenazi Jewish population (Webb et al. 2014. PubMed ID: 23927549). This variant is reported in 0.13% of alleles in individuals of Ashkenazi Jewish descent in gnomAD. This variant is interpreted as pathogenic for both autosomal dominant and autosomal recessive COL4A3-related conditions.

Labcorp Genetics (formerly Invitae), Labcorp
Classification: Pathogenic. Last evaluated: 2026-01-11. Review status: criteria provided, single submitter. Criteria: Invitae Variant Classification Sherloc (09022015). Collection method: clinical testing. Allele origin: germline.
Comment: This variant, c.40_63del, results in the deletion of 8 amino acid(s) of the COL4A3 protein (p.Leu14_Leu21del), but otherwise preserves the integrity of the reading frame. This variant is present in population databases (rs774798108, gnomAD 0.1%). This variant has been observed in individuals with Alport syndrome (PMID: 23927549, 28570636). It has also been observed to segregate with disease in related individuals. ClinVar contains an entry for this variant (Variation ID: 192299). Algorithms developed to predict the effect of variants on gene product structure and function are not available or were not evaluated for this variant. Experimental studies have shown that this variant affects COL4A3 function (PMID: 28570636). For these reasons, this variant has been classified as Pathogenic.

3billion
Classification: Pathogenic for Alport syndrome 3b, autosomal recessive. Last evaluated: 2025-12-12. Review status: criteria provided, single submitter. Criteria: ACMG Guidelines, 2015. Collection method: clinical testing. Allele origin: germline. Affected: yes.
Comment: The variant is observed at an extremely low frequency in the gnomAD v4.1.0 dataset (total allele frequency: 0.006%). Predicted Consequence/Location: Inframe deletion located in a repeat region: not predicted to disrupt normal protein function. Functional studies provide moderate evidence of the variant having a damaging effect on the gene or gene product (PMID: 28570636). The variant has been reported to be in trans with a pathogenic variant as either compound heterozygous or homozygous in at least 2 similarly affected unrelated individuals (PMID: 22887978, 23927549, 28570636). The variant has been reported at least twice as pathogenic with clinical assertions and evidence for the classification (ClinVar ID: VCV000192299 /PMID: 12028435 /3billion dataset). Therefore, this variant is classified as Pathogenic according to the recommendation of ACMG/AMP guideline.

Natera, Inc.
Classification: Pathogenic for Alport syndrome. Last evaluated: 2025-08-14. Review status: criteria provided, single submitter. Criteria: Natera Variant Classification Schema (03/2026). Collection method: clinical testing. Allele origin: germline.
Comment: The c.40_63delCTGCCGCTCCTGCTGGTGCTCCTG variant in COL4A3 is an in-frame deletion. This variant is rare in the general population with a frequency below the threshold expected for the associated phenotype(s). This variant has been observed in one or more individuals affected with the associated recessive disease, as either homozygous or compound heterozygous with a second variant (PMID: 36239278, 35369551, 29801666, 28570636, 14582039). Computational prediction algorithms indicate this variant is likely to affect gene or protein function. Given the available evidence, this variant is classified as Pathogenic.

Myriad Genetics, Inc.
Classification: Pathogenic for Alport syndrome. Last evaluated: 2025-07-24. Review status: criteria provided, single submitter. Criteria: Myriad Autosomal Dominant, Autosomal Recessive and X-Linked Classification Criteria (2023). Collection method: clinical testing. Allele origin: unknown.
Comment: NM_000091.4(COL4A3):c.40_63del24(L14_L21del) is an in-frame deletion classified as pathogenic in the context of Alport syndrome, COL4A3-related. L14_L21del has been observed in cases with relevant disease (PMID: 23927549, 22887978, 24633401, 26940125, 14582039, 28570636, 12028435). Relevant functional assessments of this variant are available in the literature (PMID: 28570636). L14_L21del has been observed in referenced population frequency databases. In summary, NM_000091.4(COL4A3):c.40_63del24(L14_L21del) is an in-frame deletion that has functional support for pathogenicity and has been observed more frequently in cases with the relevant disease than in healthy populations. Please note: this variant was assessed in the context of healthy population screening.

Ambry Genetics
Classification: Pathogenic for Inborn genetic diseases. Last evaluated: 2024-05-24. Review status: criteria provided, single submitter. Criteria: Ambry Variant Classification Scheme 2023. Collection method: clinical testing. Allele origin: germline.
Comment: The c.40_63del24 (p.L14_L21del) alteration, located in coding exon 1 of the COL4A3 gene, results from an in-frame deletion of 24 nucleotides at positions c.40 to c.63. This results in the deletion of 8 residues from codons p.14 to p.21. Based on data from gnomAD, the c.40_63del24 allele has an overall frequency of 0.014% (17/121044) total alleles studied. The highest observed frequency was 0.13% (10/7802) of Ashkenazi Jewish alleles. This variant has been identified in the homozygous state or in conjunction with other COL4A3 variants in individuals with features consistent with COL4A3-related Alport syndrome; in at least one instance, the variants were identified in trans (Zhang, 2012; Oka, 2014; Chiereghin, 2017). It has also been observed to segregate with disease in an affected family (Webb, 2014). The deleted amino acid positions are not well conserved in available vertebrate species. In an assay testing COL4A3 function, this variant showed a functionally abnormal result (Chiereghin, 2017). Based on the available evidence, this alteration is classified as pathogenic.

Fulgent Genetics
Classification: Pathogenic for Autosomal dominant Alport syndrome; Hematuria, benign familial, 2; Alport syndrome 3b, autosomal recessive. Last evaluated: 2024-02-12. Review status: criteria provided, single submitter. Criteria: ACMG Guidelines, 2015. Collection method: clinical testing. Allele origin: germline.

Blueprint Genetics
Classification: Pathogenic for COL4A3-related disorders. Last evaluated: 2023-12-14. Review status: criteria provided, single submitter. Criteria: ACMG Guidelines, 2015. Collection method: clinical testing. Allele origin: germline. Affected: yes. Observed: 4 variant alleles.